The following is an entry in ClinVar:

ClinVar aggregate classification (germline): Likely pathogenic (1 of 4 stars; one submission).

Conditions:
Congenital myopathy with fiber type disproportion. Also called: Congenital fiber-type disproportion myopathy; Congenital fiber-type disproportion. Identifiers: Orphanet 2020, MedGen C0546264, MONDO:0009711. Inheritance: all.

Submission:

Centre for Mendelian Genomics, University Medical Centre Ljubljana
Classification: Likely pathogenic for Congenital myopathy 4A, autosomal dominant. Last evaluated: 2019-03-26. Review status: criteria provided, single submitter. Criteria: ACMG Guidelines, 2015. Collection method: clinical testing. Allele origin: unknown. Affected: yes.
Comment: This variant was classified as: Likely pathogenic. The following ACMG criteria were applied in classifying this variant: PS1,PM2,PP3.

NM_000257.4(MYH7):c.2192C>G (p.Pro731Arg)

Gene: MYH7 (myosin heavy chain 7; minus strand). Cytogenetic location: 14q11.2.
Variant type: single nucleotide variant.
Coding change: c.2192C>G on transcript NM_000257.4 (MANE Select); coding-DNA position 2192, C replaced by G.
Protein change: p.Pro731Arg; replaces proline 731 with arginine.
Molecular consequence: missense variant.
Genome position (GRCh38, 1-based): chr14:23,425,789, G>C on the plus strand (C>G on the coding strand, the complement: MYH7 is on the minus strand). VCF-style: chr14-23425789-G-C. GRCh37 (hg19) VCF-style: chr14-23894998-G-C.
Other names: short protein forms P731R.
Identifiers: ClinVar variation 931512 (VCV000931512.3), dbSNP rs1247313340, ClinGen allele CA389048940.